The following is an entry in ClinVar:

ClinVar aggregate classification (germline): Uncertain significance. Review status: criteria provided, multiple submitters, no conflicts (2 of 4 stars). 5 submissions from 5 submitters: Uncertain significance (5). Last evaluated 2026-01-11.

Conditions:
Polymicrogyria with or without vascular-type Ehlers-Danlos syndrome. Identifiers: Orphanet 636941, MedGen C5193040, MONDO:0032688, OMIM 618343.
Ehlers-Danlos syndrome, type 4 (EDSVASC). Also called: Ehlers-Danlos syndrome vascular type; Ehlers Danlos syndrome, ecchymotic type; Ehlers Danlos syndrome, arterial type; Ehlers Danlos syndrome, Sack-Barabas type; Ehlers-Danlos Syndrome Type IV. Identifiers: Orphanet 286, MedGen C0268338, MONDO:0017314, OMIM 130050.
Familial thoracic aortic aneurysm and aortic dissection (TAAD). Also called: Thoracic aortic aneurysms and dissections. Identifiers: Orphanet 91387, MedGen C4707243, MONDO:0019625.

Allele frequency attached by ClinVar (database versions not stated): gnomAD 0.00001; TOPMed 0.00002.
gnomAD v4.1: 37 of 1,613,960 alleles (0.0023%); highest among the groups gnomAD compares: Non-Finnish European, 0.0027%; no homozygotes.

Submissions (5):

Labcorp Genetics (formerly Invitae), Labcorp
Classification: Uncertain significance for Ehlers-Danlos syndrome, type 4. Last evaluated: 2026-01-11. Review status: criteria provided, single submitter. Criteria: Invitae Variant Classification Sherloc (09022015). Collection method: clinical testing. Allele origin: germline.
Comment: This sequence change replaces glycine, which is neutral and non-polar, with serine, which is neutral and polar, at codon 1335 of the COL3A1 protein (p.Gly1335Ser). This variant is present in population databases (no rsID available, gnomAD 0.0009%). This missense change has been observed in individual(s) with clinical features of COL3A1-related conditions (internal data). ClinVar contains an entry for this variant (Variation ID: 264160). Invitae Evidence Modeling of protein sequence and biophysical properties (such as structural, functional, and spatial information, amino acid conservation, physicochemical variation, residue mobility, and thermodynamic stability) has been performed for this missense variant. However, the output from this modeling did not meet the statistical confidence thresholds required to predict the impact of this variant on COL3A1 protein function. In summary, the available evidence is currently insufficient to determine the role of this variant in disease. Therefore, it has been classified as a Variant of Uncertain Significance.

Ambry Genetics
Classification: Uncertain significance for Familial thoracic aortic aneurysm and aortic dissection. Last evaluated: 2025-12-30. Review status: criteria provided, single submitter. Criteria: Ambry Variant Classification Scheme 2023. Collection method: clinical testing. Allele origin: germline.

Color Diagnostics, LLC DBA Color Health
Classification: Uncertain significance for Familial thoracic aortic aneurysm and aortic dissection. Last evaluated: 2025-11-04. Review status: criteria provided, single submitter. Criteria: ACMG Guidelines, 2015. Collection method: clinical testing. Allele origin: germline.
Comment: This missense variant replaces glycine with serine at codon 1335 of the COL3A1 protein. Computational prediction is inconclusive regarding the impact of this variant on protein structure and function. To our knowledge, functional studies have not been reported for this variant. This variant has not been reported in individuals affected with COL3A1-related disorders in the literature. This variant has been identified in 37/1613960 chromosomes in the general population by the Genome Aggregation Database (gnomAD). The available evidence is insufficient to determine the role of this variant in disease conclusively. Therefore, this variant is classified as a Variant of Uncertain Significance.

GeneDx
Classification: Uncertain significance. Last evaluated: 2025-08-28. Review status: criteria provided, single submitter. Criteria: GeneDx Variant Classification Process June 2021. Collection method: clinical testing. Allele origin: germline.
Comment: Has not been previously published as pathogenic or benign to our knowledge; Not observed at significant frequency in large population cohorts (gnomAD); In silico analysis supports that this missense variant has a deleterious effect on protein structure/function; Not located in the triple helical region, where the majority of pathogenic missense variants occur (HGMD)

All of Us Research Program, National Institutes of Health
Classification: Uncertain significance for Ehlers-Danlos syndrome, type 4. Last evaluated: 2024-01-03. Review status: criteria provided, single submitter. Criteria: ACMG Guidelines, 2015. Collection method: clinical testing. Allele origin: germline. Inheritance: Autosomal dominant inheritance. Observed: 9 variant alleles, 9 heterozygotes.
Comment: This missense variant replaces glycine with serine at codon 1335 in the C-terminal propeptide sequence of the COL3A1 protein. Computational prediction is inconclusive regarding the impact of this variant on protein structure and function (internally defined REVEL score threshold 0.5 < inconclusive < 0.7, PMID: 27666373). To our knowledge, functional studies have not been reported for this variant. This variant has not been reported in individuals affected with cardiovascular disorders in the literature. This variant has been identified in 2/251340 chromosomes in the general population by the Genome Aggregation Database (gnomAD). The available evidence is insufficient to determine the role of this variant in disease conclusively. Therefore, this variant is classified as a Variant of Uncertain Significance.

This study involves interpretation of variants in research participants for the purpose of population health screening. Participant phenotype was not available at the time of variant classification. Additional details can be found in publication PMID: 35346344, PMCID: PMC8962531

NM_000090.4(COL3A1):c.4003G>A (p.Gly1335Ser)

Gene: COL3A1 (collagen type III alpha 1 chain; plus strand). Cytogenetic location: 2q32.2.
Variant type: single nucleotide variant.
Coding change: c.4003G>A on transcript NM_000090.4 (MANE Select); coding-DNA position 4003, G replaced by A.
Protein change: p.Gly1335Ser; replaces glycine 1335 with serine.
Molecular consequence: missense variant.
Genome position (GRCh38, 1-based): chr2:189,010,357, G>A. VCF-style: chr2-189010357-G-A. GRCh37 (hg19) VCF-style: chr2-189875083-G-A.
Other names: short protein forms G1335S.
Identifiers: ClinVar variation 264160 (VCV000264160.24), dbSNP rs751807135, ClinGen allele CA10587542.